The following is an entry in ClinVar:

ClinVar aggregate classification (germline): Likely benign. Review status: criteria provided, multiple submitters, no conflicts (2 of 4 stars). 3 submissions from 3 submitters: Likely benign (3). Last evaluated 2025-12-16.

Conditions:
Dilated cardiomyopathy 1G (CMD1G). Identifiers: Orphanet 154, MedGen C1858763, MONDO:0011400, OMIM 604145.
Autosomal recessive limb-girdle muscular dystrophy type 2J (LGMDR10). Also called: Limb-girdle muscular dystrophy, type 2J; MUSCULAR DYSTROPHY, LIMB-GIRDLE, AUTOSOMAL RECESSIVE 10. Identifiers: Orphanet 140922, MedGen C1837342, MONDO:0012127, OMIM 608807.
Cardiovascular phenotype. Identifiers: MedGen CN230736.
TTN-related disorder. Also called: TTN-related disorders; TTN-related condition; TTN-related disease.

Allele frequency attached by ClinVar (database versions not stated): gnomAD exomes below 0.00001; gnomAD 0.00001; TOPMed 0.00002.
gnomAD v4.1: 4 of 1,613,320 alleles (0.00025%); highest among the groups gnomAD compares: African/African-American, 0.0013%; no homozygotes.

Submissions (3):

PreventionGenetics, part of Exact Sciences
Classification: Likely benign for TTN-related condition. Last evaluated: 2025-12-16. Review status: criteria provided, single submitter. Criteria: ACMG Guidelines, 2015. Collection method: clinical testing. Allele origin: germline.
Comment: This variant is classified as likely benign based on ACMG/AMP sequence variant interpretation guidelines (Richards et al. 2015 PMID: 25741868, with internal and published modifications).

Labcorp Genetics (formerly Invitae), Labcorp
Classification: Likely benign for Dilated cardiomyopathy 1G; Autosomal recessive limb-girdle muscular dystrophy type 2J. Last evaluated: 2025-12-03. Review status: criteria provided, single submitter. Criteria: Invitae Variant Classification Sherloc (09022015). Collection method: clinical testing. Allele origin: germline.

Ambry Genetics
Classification: Likely benign for Cardiovascular phenotype. Last evaluated: 2020-03-19. Review status: criteria provided, single submitter. Criteria: Ambry Variant Classification Scheme 2023. Collection method: clinical testing. Allele origin: germline.

NM_001267550.2(TTN):c.41229G>A (p.Leu13743=)

Gene: TTN (titin; minus strand). Cytogenetic location: 2q31.2.
Variant type: single nucleotide variant.
Coding change: c.41229G>A on transcript NM_001267550.2 (MANE Select); coding-DNA position 41229, G replaced by A.
Protein change: p.Leu13743=; no amino-acid change (leucine 13743 retained).
Molecular consequence: synonymous variant.
Genome position (GRCh38, 1-based): chr2:178,636,498, C>T on the plus strand (G>A on the coding strand, the complement: TTN is on the minus strand). VCF-style: chr2-178636498-C-T. GRCh37 (hg19) VCF-style: chr2-179501225-C-T.
Other names: c.36306G>A, p.Leu12102= (NM_001256850.1); c.14034G>A, p.Leu4678= (NM_003319.4); c.33525G>A, p.Leu11175= (NM_133378.4); c.14409G>A, p.Leu4803= (NM_133432.3); c.14610G>A, p.Leu4870= (NM_133437.4).
Identifiers: ClinVar variation 1082858 (VCV001082858.12), dbSNP rs1022741837, ClinGen allele CA61007720.